The following is an entry in ClinVar:

ClinVar aggregate classification (germline): Uncertain significance (1 of 4 stars; one submission).

gnomAD v4.1: 1 of 1,613,648 alleles (0.000062%); highest among the groups gnomAD compares: Admixed American, 0.0017%; no homozygotes.

Submission:

GeneDx
Classification: Uncertain significance. Last evaluated: 2024-09-04. Review status: criteria provided, single submitter. Criteria: GeneDx Variant Classification Process June 2021. Collection method: clinical testing. Allele origin: germline. Affected: yes.
Comment: Not observed at significant frequency in large population cohorts (gnomAD); Missense variant in a gene in which most reported pathogenic variants are truncating/loss of function; Has not been previously published as pathogenic or benign to our knowledge

NM_001267550.2(TTN):c.80863A>G (p.Thr26955Ala)

Genes: TTN (titin; minus strand), TTN-AS1 (TTN antisense RNA 1; plus strand). Cytogenetic location: 2q31.2.
Variant type: single nucleotide variant.
Coding change: c.80863A>G on transcript NM_001267550.2 (MANE Select); coding-DNA position 80863, A replaced by G.
Protein change: p.Thr26955Ala; replaces threonine 26955 with alanine.
Molecular consequence: missense variant.
Genome position (GRCh38, 1-based): chr2:178,565,269, T>C on the plus strand (A>G on the coding strand, the complement: TTN is on the minus strand). VCF-style: chr2-178565269-T-C. GRCh37 (hg19) VCF-style: chr2-179429996-T-C.
Other names: c.75940A>G, p.Thr25314Ala (NM_001256850.1); c.53668A>G, p.Thr17890Ala (NM_003319.4); c.73159A>G, p.Thr24387Ala (NM_133378.4); c.54043A>G, p.Thr18015Ala (NM_133432.3); c.54244A>G, p.Thr18082Ala (NM_133437.4); short protein forms T17890A, T18015A, T18082A, T24387A, T25314A, T26955A.
Identifiers: ClinVar variation 3767791 (VCV003767791.1).